The following is an entry in ClinVar:

NM_014855.3(AP5Z1):c.1788C>T (p.Tyr596=)

Gene: AP5Z1 (adaptor related protein complex 5 subunit zeta 1; plus strand). Cytogenetic location: 7p22.1.
Variant type: single nucleotide variant.
Coding change: c.1788C>T on transcript NM_014855.3 (MANE Select); coding-DNA position 1788, C replaced by T.
Protein change: p.Tyr596=; no amino-acid change (tyrosine 596 retained).
Molecular consequence: synonymous variant. On other transcripts: non-coding transcript variant (1).
Genome position (GRCh38, 1-based): chr7:4,789,912, C>T. VCF-style: chr7-4789912-C-T. GRCh37 (hg19) VCF-style: chr7-4829543-C-T.
Other names: c.1320C>T, p.Tyr440= (NM_001364858.1).
Identifiers: ClinVar variation 1655727 (VCV001655727.23), dbSNP rs768113900, ClinGen allele CA4138025.

ClinVar aggregate classification (germline): Benign/Likely benign. Review status: criteria provided, multiple submitters, no conflicts (2 of 4 stars). 3 submissions from 3 submitters: Benign (1); Likely benign (2). Last evaluated 2025-11-01.

Conditions:
Hereditary spastic paraplegia 48. Also called: Spastic paraplegia 48; SPASTIC PARAPLEGIA 48, AUTOSOMAL RECESSIVE. Identifiers: Orphanet 306511, MedGen C3150901, MONDO:0013342, OMIM 613647.

Allele frequency attached by ClinVar (database versions not stated): gnomAD 0.00004 and 0.00010; TOPMed 0.00008; 1000 Genomes Project 30x 0.00016; gnomAD exomes 0.00047; ExAC 0.00145.
gnomAD v4.1: 305 of 1,547,872 alleles (0.02%); highest among the groups gnomAD compares: South Asian, 0.31%; 7 homozygotes.

Submissions (3):

CeGaT Center for Human Genetics Tuebingen
Classification: Likely benign. Last evaluated: 2025-11-01. Review status: criteria provided, single submitter. Criteria: CeGaT Center For Human Genetics Tuebingen Variant Classification Criteria Version 2. Collection method: clinical testing. Allele origin: germline. Affected: yes. Observed: 2 variant alleles.
Comment: AP5Z1: BP4, BP7

Blueprint Genetics
Classification: Likely benign. Last evaluated: 2024-03-20. Review status: criteria provided, single submitter. Criteria: ACMG Guidelines, 2015. Collection method: clinical testing. Allele origin: germline.

Labcorp Genetics (formerly Invitae), Labcorp
Classification: Benign for Hereditary spastic paraplegia 48. Last evaluated: 2023-05-16. Review status: criteria provided, single submitter. Criteria: Invitae Variant Classification Sherloc (09022015). Collection method: clinical testing. Allele origin: germline.